The following is an entry in ClinVar:

ClinVar aggregate classification (germline): Likely benign (1 of 4 stars; one submission).

Allele frequency attached by ClinVar (database versions not stated): gnomAD exomes below 0.00001; TOPMed below 0.00001.
gnomAD v4.1: 3 of 1,612,922 alleles (0.00019%); highest among the groups gnomAD compares: Non-Finnish European, 0.00025%; no homozygotes.

Submission:

CeGaT Center for Human Genetics Tuebingen
Classification: Likely benign. Last evaluated: 2023-08-01. Review status: criteria provided, single submitter. Criteria: CeGaT Center For Human Genetics Tuebingen Variant Classification Criteria Version 2. Collection method: clinical testing. Allele origin: germline. Affected: yes. Observed: 1 variant allele.
Comment: SCN8A: PM2:Supporting, BP4, BP7

NM_001330260.2(SCN8A):c.5694T>A (p.Ser1898=)

Gene: SCN8A (sodium voltage-gated channel alpha subunit 8; plus strand). Cytogenetic location: 12q13.13.
Variant type: single nucleotide variant.
Coding change: c.5694T>A on transcript NM_001330260.2 (MANE Select); coding-DNA position 5694, T replaced by A.
Protein change: p.Ser1898=; no amino-acid change (serine 1898 retained).
Molecular consequence: synonymous variant.
Genome position (GRCh38, 1-based): chr12:51,807,180, T>A. VCF-style: chr12-51807180-T-A. GRCh37 (hg19) VCF-style: chr12-52200964-T-A.
Other names: c.5571T>A, p.Ser1857= (NM_001177984.3, NM_001369788.1); c.5694T>A, p.Ser1898= (NM_014191.4).
Identifiers: ClinVar variation 2643005 (VCV002643005.24), dbSNP rs1938727868, ClinGen allele CA480062246.
Genomic context (GRCh38, chr12:51,807,180, plus strand): 5'-TTCCAAAGTGTCTTACGAGCCAATCACAACCACACTGCGTCGCAAGCAGGAGGAGGTATC[T>A]GCAGTGGTCCTGCAGCGTGCCTACCGGGGACATTTGGCAAGGCGGGGCTTCATCTGCAAA-3'
Protein context (NP_001317189.1, residues 1888-1908): TTLRRKQEEV[Ser1898=]AVVLQRAYRG